The following is an entry in ClinVar:

NM_001931.5(DLAT):c.754C>T (p.Leu252=)

Gene: DLAT (dihydrolipoamide S-acetyltransferase; plus strand). Cytogenetic location: 11q23.1.
Variant type: single nucleotide variant.
Coding change: c.754C>T on transcript NM_001931.5 (MANE Select); coding-DNA position 754, C replaced by T.
Protein change: p.Leu252=; no amino-acid change (leucine 252 retained).
Molecular consequence: synonymous variant. On other transcripts: non-coding transcript variant (1), intron variant (2).
Genome position (GRCh38, 1-based): chr11:112,033,497, C>T. VCF-style: chr11-112033497-C-T. GRCh37 (hg19) VCF-style: chr11-111904221-C-T.
Other names: c.754C>T, p.Leu252= (NM_001372031.1, NM_001372032.1, NM_001372033.1 and 1 more transcripts); c.721C>T, p.Leu241= (NM_001372034.1); c.628C>T, p.Leu210= (NM_001372036.1); c.586C>T, p.Leu196= (NM_001372037.1); c.475C>T, p.Leu159= (NM_001372038.1); c.373C>T, p.Leu125= (NM_001372040.1); c.292C>T, p.Leu98= (NM_001372042.1); c.660+4552C>T (NM_001372039.1, NM_001372041.1).
Identifiers: ClinVar variation 385585 (VCV000385585.34), dbSNP rs139194443, ClinGen allele CA6276734.

ClinVar aggregate classification (germline): Likely benign. Review status: criteria provided, multiple submitters, no conflicts (2 of 4 stars). 4 submissions from 4 submitters: Likely benign (4). Last evaluated 2025-12-18.

Conditions:
Pyruvate dehydrogenase E2 deficiency (PDHDD). Also called: Dihydrolipoamide Acetyltransferase (E2) Deficiency; LACTIC ACIDEMIA DUE TO DEFECT OF E2 LIPOYL TRANSACETYLASE OF THE PYRUVATE DEHYDROGENASE COMPLEX. Identifiers: Orphanet 765, Orphanet 79244, MedGen C1855565, MONDO:0009502, OMIM 245348.

Allele frequency attached by ClinVar (database versions not stated): 1000 Genomes Project 0.00060; 1000 Genomes Project 30x 0.00062; gnomAD exomes 0.00015; ExAC 0.00019; gnomAD 0.00048; ESP Exome Variant Server 0.00054; TOPMed 0.00057.
gnomAD v4.1: 117 of 1,613,912 alleles (0.0072%); highest among the groups gnomAD compares: African/African-American, 0.13%; no homozygotes.

Submissions (4):

Labcorp Genetics (formerly Invitae), Labcorp
Classification: Likely benign for Pyruvate dehydrogenase E2 deficiency. Last evaluated: 2025-12-18. Review status: criteria provided, single submitter. Criteria: Invitae Variant Classification Sherloc (09022015). Collection method: clinical testing. Allele origin: germline.

CeGaT Center for Human Genetics Tuebingen
Classification: Likely benign. Last evaluated: 2023-10-01. Review status: criteria provided, single submitter. Criteria: CeGaT Center For Human Genetics Tuebingen Variant Classification Criteria Version 2. Collection method: clinical testing. Allele origin: germline. Affected: yes. Observed: 1 variant allele.
Comment: DLAT: BP4, BP7

Blueprint Genetics
Classification: Likely benign. Last evaluated: 2023-04-20. Review status: criteria provided, single submitter. Criteria: ACMG Guidelines, 2015. Collection method: clinical testing. Allele origin: germline.

GeneDx
Classification: Likely benign. Last evaluated: 2016-05-11. Review status: criteria provided, single submitter. Criteria: GeneDx Variant Classification (06012015). Collection method: clinical testing. Allele origin: germline. Affected: yes.
Comment: This variant is considered likely benign or benign based on one or more of the following criteria: it is a conservative change, it occurs at a poorly conserved position in the protein, it is predicted to be benign by multiple in silico algorithms, and/or has population frequency not consistent with disease.